The following is an entry in ClinVar:

NM_017617.5(NOTCH1):c.2687A>G (p.Gln896Arg)

Gene: NOTCH1 (notch receptor 1; minus strand). Cytogenetic location: 9q34.3.
Variant type: single nucleotide variant.
Coding change: c.2687A>G on transcript NM_017617.5 (MANE Select); coding-DNA position 2687, A replaced by G.
Protein change: p.Gln896Arg; replaces glutamine 896 with arginine.
Molecular consequence: missense variant.
Genome position (GRCh38, 1-based): chr9:136,510,706, T>C on the plus strand (A>G on the coding strand, the complement: NOTCH1 is on the minus strand). VCF-style: chr9-136510706-T-C. GRCh37 (hg19) VCF-style: chr9-139405158-T-C.
Other names: short protein forms Q896R.
Identifiers: ClinVar variation 4635477 (VCV004635477.1).

ClinVar aggregate classification (germline): Uncertain significance (1 of 4 stars; one submission).

Conditions:
Familial thoracic aortic aneurysm and aortic dissection (TAAD). Also called: Thoracic aortic aneurysms and dissections. Identifiers: Orphanet 91387, MedGen C4707243, MONDO:0019625.

gnomAD v4.1: 1 of 1,609,880 alleles (0.000062%); highest among the groups gnomAD compares: South Asian, 0.0011%; no homozygotes.

Submission:

Ambry Genetics
Classification: Uncertain significance for Familial thoracic aortic aneurysm and aortic dissection. Last evaluated: 2025-11-15. Review status: criteria provided, single submitter. Criteria: Ambry Variant Classification Scheme 2023. Collection method: clinical testing. Allele origin: germline.
Comment: The p.Q896R variant (also known as c.2687A>G), located in coding exon 17 of the NOTCH1 gene, results from an A to G substitution at nucleotide position 2687. The glutamine at codon 896 is replaced by arginine, an amino acid with highly similar properties. This amino acid position is conserved. In addition, this alteration is predicted to be tolerated by in silico analysis. Based on the available evidence, the clinical significance of this variant remains unclear.